The following is an entry in ClinVar:

NM_006267.5(RANBP2):c.1440T>A (p.Cys480Ter)

Gene: RANBP2 (RAN binding protein 2; plus strand). Cytogenetic location: 2q13.
Variant type: single nucleotide variant.
Coding change: c.1440T>A on transcript NM_006267.5 (MANE Select); coding-DNA position 1440, T replaced by A.
Protein change: p.Cys480Ter; replaces cysteine 480 with a stop codon.
Molecular consequence: nonsense.
Genome position (GRCh38, 1-based): chr2:108,751,430, T>A. VCF-style: chr2-108751430-T-A. GRCh37 (hg19) VCF-style: chr2-109367886-T-A.
Other names: c.1440T>A, p.Cys480Ter (NM_001415871.1, NM_001415873.1); c.1437T>A, p.Cys479Ter (NM_001415872.1); short protein forms C479*, C480*.
Identifiers: ClinVar variation 3368638 (VCV003368638.1).

ClinVar aggregate classification (germline): Uncertain significance (1 of 4 stars; one submission).

Submission:

GeneDx
Classification: Uncertain significance. Last evaluated: 2024-02-05. Review status: criteria provided, single submitter. Criteria: GeneDx Variant Classification Process June 2021. Collection method: clinical testing. Allele origin: germline. Affected: yes.
Comment: Not observed at significant frequency in large population cohorts (gnomAD); Nonsense variant predicted to result in protein truncation or nonsense mediated decay in a gene or region of a gene for which loss of function is not a well-established mechanism of disease; Has not been previously published as pathogenic or benign to our knowledge